The following is an entry in ClinVar:

NM_001012339.3(DNAJC21):c.1401del (p.Lys467fs)

Gene: DNAJC21 (DnaJ heat shock protein family (Hsp40) member C21; plus strand). Cytogenetic location: 5p13.2.
Variant type: Deletion.
Coding change: c.1401del on transcript NM_001012339.3 (MANE Select); coding-DNA position 1401, one base deleted (A; older notation c.1401delA).
Protein change: p.Lys467fs; shifts the reading frame from lysine 467.
Molecular consequence: frameshift variant.
Genome position (GRCh38, 1-based): chr5:34,953,968, A deleted; the last of 6 consecutive A bases (chr5:34,953,963-34,953,968); deleting any one gives the same sequence. VCF-style (leftmost placement, unchanged base first): chr5-34953962-GA-G. GRCh37 (hg19) VCF-style: chr5-34954067-GA-G.
Other names: c.1440del, p.Lys480fs (NM_001348420.2); c.1536del, p.Lys512fs (NM_194283.4); short protein forms K467fs, K480fs, K512fs.
Identifiers: ClinVar variation 2058227 (VCV002058227.4), dbSNP rs2480673297, ClinGen allele CA2580073182.
Genomic context (GRCh38, chr5:34,953,962, plus strand): 5'-TATGCTGAATTATTTATTTTCCAGTGTTCCTAAACCCAAAGGAAAGAAAACCAAAGATAT[GA>G]AAAAACCTGTCAGAGTACCTGCTGAACCACAAACAATGGTAGGTCAAAATCATATTCATA-3'

ClinVar aggregate classification (germline): Uncertain significance (1 of 4 stars; one submission).

Submission:

Labcorp Genetics (formerly Invitae), Labcorp
Classification: Uncertain significance. Last evaluated: 2021-12-24. Review status: criteria provided, single submitter. Criteria: Invitae Variant Classification Sherloc (09022015). Collection method: clinical testing. Allele origin: germline.
Comment: This sequence change creates a premature translational stop signal (p.Lys467Asnfs*12) in the DNAJC21 gene. While this is not anticipated to result in nonsense mediated decay, it is expected to disrupt the last 65 amino acid(s) of the DNAJC21 protein. In summary, the available evidence is currently insufficient to determine the role of this variant in disease. Therefore, it has been classified as a Variant of Uncertain Significance. This variant is not present in population databases (gnomAD no frequency). This variant has not been reported in the literature in individuals affected with DNAJC21-related conditions. Experimental studies and prediction algorithms are not available or were not evaluated, and the functional significance of this variant is currently unknown.